The following is an entry in ClinVar:

ClinVar aggregate classification (germline): Uncertain significance (1 of 4 stars; one submission).

Conditions:
Cardiovascular phenotype. Identifiers: MedGen CN230736.

Allele frequency attached by ClinVar (database versions not stated): gnomAD 0.00001.
gnomAD v4.1: 7 of 1,570,780 alleles (0.00045%); highest among the groups gnomAD compares: Non-Finnish European, 0.00061%; no homozygotes.

Submission:

Ambry Genetics
Classification: Uncertain significance for Cardiovascular phenotype. Last evaluated: 2020-03-04. Review status: criteria provided, single submitter. Criteria: Ambry Variant Classification Scheme 2023. Collection method: clinical testing. Allele origin: germline.
Comment: The p.R4716S variant (also known as c.14146C>A), located in coding exon 53 of the TTN gene, results from a C to A substitution at nucleotide position 14146. The arginine at codon 4716 is replaced by serine, an amino acid with dissimilar properties. This amino acid position is not well conserved in available vertebrate species. In addition, this alteration is predicted to be tolerated by in silico analysis. Since supporting evidence is limited at this time, the clinical significance of this alteration remains unclear.

NM_001267550.2(TTN):c.41341C>A (p.Arg13781Ser)

Gene: TTN (titin; minus strand). Cytogenetic location: 2q31.2.
Variant type: single nucleotide variant.
Coding change: c.41341C>A on transcript NM_001267550.2 (MANE Select); coding-DNA position 41341, C replaced by A.
Protein change: p.Arg13781Ser; replaces arginine 13781 with serine.
Molecular consequence: missense variant.
Genome position (GRCh38, 1-based): chr2:178,636,230, G>T on the plus strand (C>A on the coding strand, the complement: TTN is on the minus strand). VCF-style: chr2-178636230-G-T. GRCh37 (hg19) VCF-style: chr2-179500957-G-T.
Other names: c.36418C>A, p.Arg12140Ser (NM_001256850.1); c.14146C>A, p.Arg4716Ser (NM_003319.4); c.33637C>A, p.Arg11213Ser (NM_133378.4); c.14521C>A, p.Arg4841Ser (NM_133432.3); c.14722C>A, p.Arg4908Ser (NM_133437.4); short protein forms R11213S, R4716S, R4908S, R12140S, R13781S, R4841S.
Identifiers: ClinVar variation 1772096 (VCV001772096.2), dbSNP rs768469221, ClinGen allele CA349660518.
Genomic context (GRCh38, chr2:178,636,230, plus strand): 5'-TCAAGTACAATGGCTGTCCTTTGACCACTGTGACTTCCTCTTCCAGTGTTTTTACAAAAC[G>T]CACAGGAAGTTCTATGGAGAATTTCAGTATATATTTCAATAAATACAATATTTTCAATGA-3'
Protein context (NP_001254479.2, residues 13771-13791): AKLVVEELPV[Arg13781Ser]FVKTLEEEVT